The following is an entry in ClinVar:

ClinVar aggregate classification (germline): Likely benign. Review status: criteria provided, multiple submitters, no conflicts (2 of 4 stars). 2 submissions from 2 submitters: Likely benign (2). Last evaluated 2025-10-01.

Conditions:
RYR1-related disorder. Also called: RYR1-related disorders; RYR1-related condition. Identifiers: MedGen CN239331.

Allele frequency attached by ClinVar (database versions not stated): gnomAD exomes 0.00001 and 0.00002; gnomAD 0.00003; TOPMed 0.00004.
gnomAD v4.1: 16 of 1,492,142 alleles (0.0011%); highest among the groups gnomAD compares: Non-Finnish European, 0.0014%; no homozygotes.

Submissions (2):

CeGaT Center for Human Genetics Tuebingen
Classification: Likely benign. Last evaluated: 2025-10-01. Review status: criteria provided, single submitter. Criteria: CeGaT Center For Human Genetics Tuebingen Variant Classification Criteria Version 2. Collection method: clinical testing. Allele origin: germline. Affected: yes. Observed: 1 variant allele.
Comment: RYR1: BP4, BP7

Labcorp Genetics (formerly Invitae), Labcorp
Classification: Likely benign for RYR1-related disorder. Last evaluated: 2025-05-01. Review status: criteria provided, single submitter. Criteria: Invitae Variant Classification Sherloc (09022015). Collection method: clinical testing. Allele origin: germline.

NM_000540.3(RYR1):c.13212C>T (p.Asp4404=)

Gene: RYR1 (ryanodine receptor 1; plus strand). Cytogenetic location: 19q13.2.
Variant type: single nucleotide variant.
Coding change: c.13212C>T on transcript NM_000540.3 (MANE Select); coding-DNA position 13212, C replaced by T.
Protein change: p.Asp4404=; no amino-acid change (aspartic acid 4404 retained).
Molecular consequence: synonymous variant.
Genome position (GRCh38, 1-based): chr19:38,565,546, C>T. VCF-style: chr19-38565546-C-T. GRCh37 (hg19) VCF-style: chr19-39056186-C-T.
Other names: c.13197C>T, p.Asp4399= (NM_001042723.2).
Identifiers: ClinVar variation 1139933 (VCV001139933.15), dbSNP rs1031604882, ClinGen allele CA308109547.